The following is an entry in ClinVar:

ClinVar aggregate classification (germline): Conflicting classifications of pathogenicity. Review status: criteria provided, conflicting classifications (1 of 4 stars). 2 submissions from 2 submitters: Uncertain significance (1); Likely benign (1). Last evaluated 2023-03-01.

Conditions:
Loeys-Dietz syndrome 2 (LDS2). Also called: AORTIC ANEURYSM, FAMILIAL THORACIC 3; MARFAN SYNDROME, TYPE II; Marfan syndrome, type 2 (formerly); Marfan Syndrome type 2; Marfan like connective tissue disorder; MFS 2. Identifiers: Orphanet 284973, Orphanet 558, MedGen C2674574, MONDO:0012427, OMIM 610168.

Allele frequency attached by ClinVar (database versions not stated): 1000 Genomes Project 30x 0.00031; 1000 Genomes Project 0.00040; TOPMed 0.00098; gnomAD 0.00108 and 0.00116; gnomAD exomes 0.00111.
gnomAD v4.1: 259 of 233,464 alleles (0.11%); highest among the groups gnomAD compares: Non-Finnish European, 0.14%; no homozygotes.

Submissions (2):

CeGaT Center for Human Genetics Tuebingen
Classification: Likely benign. Last evaluated: 2023-03-01. Review status: criteria provided, single submitter. Criteria: CeGaT Center For Human Genetics Tuebingen Variant Classification Criteria Version 2. Collection method: clinical testing. Allele origin: germline. Affected: yes. Observed: 1 variant allele.
Comment: TGFBR2: BS1

Illumina Laboratory Services, Illumina
Classification: Uncertain significance for Loeys-Dietz syndrome 2. Last evaluated: 2018-01-12. Review status: criteria provided, single submitter. Criteria: ICSL Variant Classification Criteria 13 December 2019. Collection method: clinical testing. Allele origin: germline.

NM_003242.6(TGFBR2):c.*2066G>A

Gene: TGFBR2 (transforming growth factor beta receptor 2; plus strand). Cytogenetic location: 3p24.1.
Variant type: single nucleotide variant.
Coding change: c.*2066G>A on transcript NM_003242.6 (MANE Select); 2066 bases downstream of the stop codon, G replaced by A.
Molecular consequence: 3 prime UTR variant.
Genome position (GRCh38, 1-based): chr3:30,693,665, G>A. VCF-style: chr3-30693665-G-A. GRCh37 (hg19) VCF-style: chr3-30735157-G-A.
Other names: c.*2066G>A (NM_001024847.3, NM_001407126.1, NM_001407127.1 and 11 more transcripts).
Identifiers: ClinVar variation 344712 (VCV000344712.31), dbSNP rs566913021, ClinGen allele CA10618058.
Genomic context (GRCh38, chr3:30,693,665, plus strand): 5'-GAGAGTTAAAGACAGTGTGGCTGCAGTAGCATAGAGGCGCCTAGAAATTCCACTTGCACC[G>A]TAGGGCATGCTGATACCATCCCAATAGCTGTTGCCCATTGACCTCTAGTGGTGAGTTTCT-3'